The following is an entry in ClinVar:

ClinVar aggregate classification (germline): Uncertain significance (1 of 4 stars; one submission).

Submission:

GeneDx
Classification: Uncertain significance. Last evaluated: 2024-02-09. Review status: criteria provided, single submitter. Criteria: GeneDx Variant Classification Process June 2021. Collection method: clinical testing. Allele origin: germline. Affected: yes.
Comment: Not observed at significant frequency in large population cohorts (gnomAD); In silico analysis supports that this missense variant has a deleterious effect on protein structure/function; Has not been previously published as pathogenic or benign to our knowledge

NM_001378974.1(FBXW11):c.1445A>G (p.Tyr482Cys)

Gene: FBXW11 (F-box and WD repeat domain containing 11; minus strand). Cytogenetic location: 5q35.1.
Variant type: single nucleotide variant.
Coding change: c.1445A>G on transcript NM_001378974.1 (MANE Select); coding-DNA position 1445, A replaced by G.
Protein change: p.Tyr482Cys; replaces tyrosine 482 with cysteine.
Molecular consequence: missense variant.
Genome position (GRCh38, 1-based): chr5:171,870,754, T>C on the plus strand (A>G on the coding strand, the complement: FBXW11 is on the minus strand). VCF-style: chr5-171870754-T-C. GRCh37 (hg19) VCF-style: chr5-171297758-T-C.
Other names: c.1376A>G, p.Tyr459Cys (NM_001378975.1); c.1349A>G, p.Tyr450Cys (NM_001378976.1); c.1286A>G, p.Tyr429Cys (NM_001378977.1, NM_001378978.1, NM_001378979.1); c.1280A>G, p.Tyr427Cys (NM_001378980.1, NM_033645.3); c.1382A>G, p.Tyr461Cys (NM_012300.3); c.1343A>G, p.Tyr448Cys (NM_033644.3); short protein forms Y427C, Y429C, Y448C, Y450C, Y459C, Y461C, Y482C.
Identifiers: ClinVar variation 3368559 (VCV003368559.1).